The following is an entry in ClinVar:

NM_001042413.2(GLIS3):c.1591G>A (p.Gly531Arg)

Gene: GLIS3 (GLIS family zinc finger 3; minus strand). Cytogenetic location: 9p24.2.
Variant type: single nucleotide variant.
Coding change: c.1591G>A on transcript NM_001042413.2 (MANE Select); coding-DNA position 1591, G replaced by A.
Protein change: p.Gly531Arg; replaces glycine 531 with arginine.
Molecular consequence: missense variant.
Genome position (GRCh38, 1-based): chr9:4,117,887, C>T on the plus strand (G>A on the coding strand, the complement: GLIS3 is on the minus strand). VCF-style: chr9-4117887-C-T. GRCh37 (hg19) VCF-style: chr9-4117887-C-T.
Other names: c.1126G>A, p.Gly376Arg (NM_152629.4); c.1591G>A (NM_001042413.1); short protein forms G376R, G531R.
Identifiers: ClinVar variation 3597391 (VCV003597391.2).

ClinVar aggregate classification (germline): Uncertain significance. Review status: criteria provided, multiple submitters, no conflicts (2 of 4 stars). 2 submissions from 2 submitters: Uncertain significance (2). Last evaluated 2026-06-13.

Conditions:
GLIS3-related disorder. Also called: GLIS3-related condition.
Neonatal diabetes mellitus with congenital hypothyroidism. Also called: NDH SYNDROME. Identifiers: Orphanet 79118, MedGen C1857775, MONDO:0012436, OMIM 610199.

gnomAD v4.1: 26 of 1,614,186 alleles (0.0016%); highest among the groups gnomAD compares: African/African-American, 0.025%; no homozygotes.

Submissions (2):

PreventionGenetics, part of Exact Sciences
Classification: Uncertain significance for GLIS3-related condition. Last evaluated: 2026-06-13. Review status: criteria provided, single submitter. Criteria: ACMG Guidelines, 2015. Collection method: clinical testing. Allele origin: germline.
Comment: The GLIS3 c.1591G>A variant is predicted to result in the amino acid substitution p.Gly531Arg. To our knowledge, this variant has not been reported in the literature. This variant is reported in 0.062% of alleles in individuals of African descent in gnomAD. At this time, the clinical significance of this variant is uncertain due to the absence of conclusive functional and genetic evidence.

Fulgent Genetics
Classification: Uncertain significance for Neonatal diabetes mellitus with congenital hypothyroidism. Last evaluated: 2024-05-11. Review status: criteria provided, single submitter. Criteria: ACMG Guidelines, 2015. Collection method: clinical testing. Allele origin: germline.